The following is an entry in ClinVar:

ClinVar aggregate classification (germline): Uncertain significance (1 of 4 stars; one submission).

Submission:

Labcorp Genetics (formerly Invitae), Labcorp
Classification: Uncertain significance. Last evaluated: 2024-08-13. Review status: criteria provided, single submitter. Criteria: Invitae Variant Classification Sherloc (09022015). Collection method: clinical testing. Allele origin: germline.
Comment: This sequence change replaces tyrosine, which is neutral and polar, with cysteine, which is neutral and slightly polar, at codon 45 of the SPPL2A protein (p.Tyr45Cys). This variant is not present in population databases (gnomAD no frequency). This variant has not been reported in the literature in individuals affected with SPPL2A-related conditions. An algorithm developed to predict the effect of missense changes on protein structure and function (PolyPhen-2) suggests that this variant is likely to be disruptive. In summary, the available evidence is currently insufficient to determine the role of this variant in disease. Therefore, it has been classified as a Variant of Uncertain Significance.

NM_032802.4(SPPL2A):c.134A>G (p.Tyr45Cys)

Gene: SPPL2A (signal peptide peptidase like 2A; minus strand). Cytogenetic location: 15q21.2.
Variant type: single nucleotide variant.
Coding change: c.134A>G on transcript NM_032802.4 (MANE Select); coding-DNA position 134, A replaced by G.
Protein change: p.Tyr45Cys; replaces tyrosine 45 with cysteine.
Molecular consequence: missense variant.
Genome position (GRCh38, 1-based): chr15:50,749,679, T>C on the plus strand (A>G on the coding strand, the complement: SPPL2A is on the minus strand). VCF-style: chr15-50749679-T-C. GRCh37 (hg19) VCF-style: chr15-51041876-T-C.
Other names: short protein forms Y45C.
Identifiers: ClinVar variation 3699739 (VCV003699739.2).